The following is an entry in ClinVar:

NM_000179.3(MSH6):c.998C>T (p.Thr333Ile)

Gene: MSH6 (mutS homolog 6; plus strand). Cytogenetic location: 2p16.3.
Variant type: single nucleotide variant.
Coding change: c.998C>T on transcript NM_000179.3 (MANE Select); coding-DNA position 998, C replaced by T.
Protein change: p.Thr333Ile; replaces threonine 333 with isoleucine.
Molecular consequence: missense variant.
Genome position (GRCh38, 1-based): chr2:47,798,981, C>T. VCF-style: chr2-47798981-C-T. GRCh37 (hg19) VCF-style: chr2-48026120-C-T.
Other names: p.T333I:ACC>ATC; c.608C>T, p.Thr203Ile (NM_001281492.2); c.92C>T, p.Thr31Ile (NM_001281493.2, NM_001281494.2); short protein forms T333I, T203I, T31I.
Identifiers: ClinVar variation 141751 (VCV000141751.39), dbSNP rs587781983, ClinGen allele CA016780.

ClinVar aggregate classification (germline): Conflicting classifications of pathogenicity. Review status: criteria provided, conflicting classifications (1 of 4 stars). 14 submissions from 14 submitters: Uncertain significance (10); Benign (2); Likely benign (2). Last evaluated 2026-06-26.

Conditions:
MSH6-related disorder. Also called: MSH6-Related disorders; MSH6-related condition.
Mismatch repair cancer syndrome 3. Identifiers: MedGen C5436807, MONDO:0030841, OMIM 619097.
Endometrial carcinoma. Also called: Endometrial carcinoma, somatic. Identifiers: MedGen C0476089, MONDO:0002447, OMIM 608089, HP:0012114.
Lynch syndrome 5 (LYNCH5). Also called: Colorectal cancer, hereditary nonpolyposis, type 5; Hereditary non-polyposis colorectal cancer, type 5. Identifiers: Orphanet 144, MedGen C1833477, MONDO:0013710, OMIM 614350. Disease mechanism: loss of function.
Hereditary nonpolyposis colorectal neoplasms. Identifiers: MedGen C0009405, MeSH D003123.
Hereditary cancer-predisposing syndrome. Also called: Tumor predisposition; Neoplastic Syndromes, Hereditary; Hereditary neoplastic syndrome; Hereditary Cancer Syndrome. Identifiers: Orphanet 140162, MedGen C0027672, MeSH D009386, MONDO:0015356.

Allele frequency attached by ClinVar (database versions not stated): gnomAD 0.00001; gnomAD exomes 0.00001; TOPMed 0.00003.
gnomAD v4.1: 20 of 1,614,098 alleles (0.0012%); highest among the groups gnomAD compares: Non-Finnish European, 0.0016%; no homozygotes.

Submissions (14):

PreventionGenetics, part of Exact Sciences
Classification: Likely benign for MSH6-related condition. Last evaluated: 2026-06-26. Review status: criteria provided, single submitter. Criteria: ACMG Guidelines, 2015. Collection method: clinical testing. Allele origin: germline.
Comment: This variant is classified as likely benign based on ACMG/AMP sequence variant interpretation guidelines (Richards et al. 2015 PMID: 25741868, with internal and published modifications).

Labcorp Genetics (formerly Invitae), Labcorp
Classification: Benign for Hereditary nonpolyposis colorectal neoplasms. Last evaluated: 2026-01-18. Review status: criteria provided, single submitter. Criteria: Invitae Variant Classification Sherloc (09022015). Collection method: clinical testing. Allele origin: germline.

Myriad Genetics, Inc.
Classification: Benign for Lynch syndrome 5. Last evaluated: 2024-12-20. Review status: criteria provided, single submitter. Criteria: Myriad Autosomal Dominant, Autosomal Recessive and X-Linked Classification Criteria (2023). Collection method: clinical testing. Allele origin: unknown.
Comment: This variant is considered benign. Homozygosity for this variant has been confirmed in one or more individuals lacking clinical features consistent with gene-specific recessive disease, indicating that this variant is unlikely to be pathogenic. This variant is strongly associated with less severe personal and family histories of cancer, typical for individuals without pathogenic variants in this gene [PMID: 27363726].

Color Diagnostics, LLC DBA Color Health
Classification: Uncertain significance for Hereditary cancer-predisposing syndrome. Last evaluated: 2024-10-10. Review status: criteria provided, single submitter. Criteria: ACMG Guidelines, 2015. Collection method: clinical testing. Allele origin: germline.
Comment: This missense variant replaces threonine with isoleucine at codon 333 of the MSH6 protein. Computational prediction suggests that this variant may not impact protein structure and function (internally defined REVEL score threshold <= 0.5, PMID: 27666373). To our knowledge, functional studies have not been reported for this variant. This variant has been identified in individuals affected with colorectal or pancreatic cancer (PMID: 26300997, 35886069). This variant has been identified in 1/31406 chromosomes in the general population by the Genome Aggregation Database (gnomAD). The available evidence is insufficient to determine the role of this variant in disease conclusively. Therefore, this variant is classified as a Variant of Uncertain Significance.

Baylor Genetics
Classification: Uncertain significance for Endometrial carcinoma. Last evaluated: 2024-02-29. Review status: criteria provided, single submitter. Criteria: ACMG Guidelines, 2015. Collection method: clinical testing. Allele origin: unknown.

GeneDx
Classification: Uncertain significance. Last evaluated: 2023-12-28. Review status: criteria provided, single submitter. Criteria: GeneDx Variant Classification Process June 2021. Collection method: clinical testing. Allele origin: germline. Affected: yes.
Comment: Not observed at significant frequency in large population cohorts (gnomAD); In silico analysis supports that this missense variant has a deleterious effect on protein structure/function; Observed in an individual with Lynch syndrome who also harbored a pathogenic MLH1 variant and in individuals with pancreatic or breast cancer (PMID: 26300997, 25186627, 32658311, 35886069); This variant is associated with the following publications: (PMID: 28717660, 18523027, 27311873, 31422574, 35886069, 21437237, 25186627, 26300997, 32658311, 34284872)

Institute for Biomarker Research, Medical Diagnostic Laboratories, L.L.C.
Classification: Uncertain significance for Hereditary cancer-predisposing syndrome. Last evaluated: 2023-06-27. Review status: criteria provided, single submitter. Criteria: ACMG Guidelines, 2015. Collection method: clinical testing. Allele origin: germline.

Quest Diagnostics Nichols Institute San Juan Capistrano
Classification: Uncertain significance. Last evaluated: 2023-03-09. Review status: criteria provided, single submitter. Criteria: Quest Diagnostics criteria. Collection method: clinical testing. Allele origin: unknown.
Comment: The frequency of this variant in the general population, 0.000032 (1/31406 chromosomes), is uninformative in assessment of its pathogenicity. In the published literature, the variant has been reported in an individual with Lynch syndrome who also carried a pathogenic variant in the MLH1 gene, suggesting the MSH6 c.998C>T (p.Thr333Ile) variant may not the primary cause of disease. In addition, this variant has been observed in an individual with pancreatic cancer (PMID: 35886069 (2022)), and in several breast cancer cases and a control individual in a large-scale breast cancer association study (see LOVD and PMID: 33471991 (2021)). Analysis of this variant using bioinformatics tools for the prediction of the effect of amino acid changes on protein structure and function yielded predictions that this variant is benign. Based on the available information, we are unable to determine the clinical significance of this variant.

Ambry Genetics
Classification: Likely benign for Hereditary cancer-predisposing syndrome. Last evaluated: 2023-02-28. Review status: criteria provided, single submitter. Criteria: Ambry Variant Classification Scheme 2023. Collection method: clinical testing. Allele origin: germline.

Laboratorio de Genetica e Diagnostico Molecular, Hospital Israelita Albert Einstein
Classification: Uncertain significance for Lynch syndrome 5. Last evaluated: 2023-01-06. Review status: criteria provided, single submitter. Criteria: ACMG Guidelines, 2015. Collection method: clinical testing. Allele origin: germline. Affected: yes. Observed: 1 variant allele.
Comment: ACMG classification criteria: PM2 moderated, BP4 supporting

St. Jude Molecular Pathology, St. Jude Children's Research Hospital
Classification: Uncertain significance for Lynch syndrome 5. Last evaluated: 2022-05-24. Review status: criteria provided, single submitter. Criteria: St. Jude Assertion Criteria 2020. Collection method: clinical testing. Allele origin: germline.
Comment: The MSH6 c.998C>T (p.Thr333Ile) missense change has a maximum subpopulation frequency of 0.0065% in gnomAD v2.1.1 (PM2_supporting). In silico tools are inconclusive about the effect of this variant on protein function, and to our knowledge functional assays have not been performed. This variant has been reported in an individual with Lynch syndrome who harbored a pathogenic variant in MLH1 (BP5; PMID: 26300997). In summary, this variant meets criteria to be classified as of uncertain significance based on the ACMG/AMP criteria: PM2_supporting, BP5.

Department of Pathology and Laboratory Medicine, Sinai Health System
Classification: Uncertain significance for Endometrial carcinoma; Lynch syndrome 5; Mismatch repair cancer syndrome 3. Last evaluated: 2021-10-22. Review status: criteria provided, single submitter. Criteria: ACMG Guidelines, 2015. Collection method: research. Allele origin: germline.

Sema4
Classification: Uncertain significance for Hereditary cancer-predisposing syndrome. Last evaluated: 2021-08-20. Review status: criteria provided, single submitter. Criteria: Sema4 Curation Guidelines. Collection method: curation. Allele origin: germline.
Comment: The MSH6 c.998C>T (p.T333I) variant has been reported in one individual with hereditary nonpolyposis colorectal cancer (PMID 26300997); however, a pathogenic variant was also identified in the MLH1 gene in this individual, providing supporting evidence for a benign role. This variant was observed in 1/15430 chromosomes in the Non-Finnish European population according to the Genome Aggregation Database (PMID: 32461654). This variant has been reported in ClinVar (Variation ID 141751). Functional studies have not been performed, and in silico predictions of the variant's effect on protein function are inconclusive. The overall evidence is insufficient to meet ACMG/AMP criteria for classifying it as benign or pathogenic. In summary, the clinical significance of this variant is currently uncertain.

Mendelics
Classification: Uncertain significance for Lynch syndrome 5. Last evaluated: 2019-05-28. Review status: criteria provided, single submitter. Criteria: Mendelics Assertion Criteria 2017. Collection method: clinical testing. Allele origin: unknown.

Literature cited by the submitters: PubMed 27363726 (cited by Myriad Genetics, Inc.); PubMed 26300997 (cited by 4 submitters); PubMed 35886069 (cited by 3 submitters); PubMed 33471991 (cited by Quest Diagnostics Nichols Institute San Juan Capistrano); PubMed 25186627 (cited by Ambry Genetics); PubMed 32658311 (cited by Ambry Genetics).